The following is an entry in ClinVar:

NM_000371.4(TTR):c.386C>T (p.Ala129Val)

Gene: TTR (transthyretin; plus strand). Cytogenetic location: 18q12.1.
Variant type: single nucleotide variant.
Coding change: c.386C>T on transcript NM_000371.4 (MANE Select); coding-DNA position 386, C replaced by T.
Protein change: p.Ala129Val; replaces alanine 129 with valine.
Molecular consequence: missense variant.
Genome position (GRCh38, 1-based): chr18:31,598,617, C>T. VCF-style: chr18-31598617-C-T. GRCh37 (hg19) VCF-style: chr18-29178580-C-T.
Other names: A109V; short protein forms A129V.
Identifiers: ClinVar variation 13454 (VCV000013454.21), dbSNP rs121918092, ClinGen allele CA123109.

ClinVar aggregate classification (germline): Uncertain significance. Review status: criteria provided, multiple submitters, no conflicts (2 of 4 stars). 7 submissions from 7 submitters: Uncertain significance (6). 1 of the submissions does not count toward it. Last evaluated 2026-03-05.

Conditions:
Cardiovascular phenotype. Identifiers: MedGen CN230736.
Acute myocardial infarction. Identifiers: MedGen C0155626, MONDO:0004781.
Myocarditis. Identifiers: MedGen C0027059, MONDO:0004496, HP:0012819.
Charcot-Marie-Tooth disease. Also called: Charcot-Marie-Tooth Neuropathy; Charcot-Marie-Tooth Hereditary Neuropathy. Identifiers: Orphanet 166, MedGen C0007959, MONDO:0015626.
Hyperthyroxinemia, dystransthyretinemic. Also called: HYPERTHYROXINEMIA, DYSPREALBUMINEMIC; EUTHRYROIDAL HYPERTHYROXINEMIA 2. Identifiers: MedGen C2750824, MONDO:0007785, OMIM 145680.
Amyloidosis, hereditary systemic 1 (AMYLD1). Also called: Transthyretin Amyloidosis; Hereditary Transthyretin Amyloidosis; Isolated Cardiac Amyloidosis; Amyloid Cardiomyopathy, Transthyretin-related; Familial amyloid polyneuropathy; Hereditary oculoleptomeningeal amyloid angiopathy. Identifiers: Orphanet 85447, Orphanet 85451, MedGen C2751492, MONDO:0971004, OMIM 105210.

Allele frequency attached by ClinVar (database versions not stated): gnomAD exomes 0.00001 and 0.00002; gnomAD 0.00003 and 0.00004; ExAC 0.00001; TOPMed 0.00002.
gnomAD v4.1: 19 of 1,614,066 alleles (0.0012%); highest among the groups gnomAD compares: Admixed American, 0.005%; no homozygotes.

Submissions (7):

Petrovsky National Research Centre of Surgery, The Federal Agency for Scientific Organizations
Classification: Uncertain significance for Acute myocardial infarction; Myocarditis. Last evaluated: 2026-03-05. Review status: criteria provided, single submitter. Criteria: ACMG Guidelines, 2015. Collection method: clinical testing. Allele origin: germline. Affected: yes. Observed: 1 variant allele, 1 heterozygote.
Comment: This variant is in The Genome Aggregation Database (gnomAD) v2.1.1 and v4.1.0 with total MAF 0.00001768 and 0.00001117 (Date of access 02-03-2026). Clinvar contains an entry for this variant (Variation ID: 13454). This variant is associated with the following papers (PMID: 8784093, 9268242, 11385707‚ 1979335‚ 27532257‚ 28635949‚ 28798025, 30847666‚ 32376792‚ 32635414, 35903975‚ 39458146). Functional analysis showed A129V and A129T exhibit similar or lower amyloid levels than wild‐type, suggesting that those variants might not have an increased potential to form amyloid fibrils (PMID: 35903975). In silico prediction is inconclusive (REVEL score=0.497). In accordance with ACMG(2015) criteria and Recommendations for application of the functional evidence PS3/BS3 criterion using the ACMG/AMP sequence variant interpretation framework (doi:10.1186/s13073-019-0690-2) this variant is classified as Variant of Uncertain Significance (VUS) with following criteria selected: BS3_Supporting, PM2.

Labcorp Genetics (formerly Invitae), Labcorp
Classification: Uncertain significance for Amyloidosis, hereditary systemic 1. Last evaluated: 2025-11-22. Review status: criteria provided, single submitter. Criteria: Invitae Variant Classification Sherloc (09022015). Collection method: clinical testing. Allele origin: germline.
Comment: This sequence change replaces alanine, which is neutral and non-polar, with valine, which is neutral and non-polar, at codon 129 of the TTR protein (p.Ala129Val). This variant is present in population databases (rs121918092, gnomAD 0.003%). This missense change has been observed in individual(s) with clinical features of TTR-related conditions including euthyroid hyperthyroxinemia (PMID: 8784093, 28798025, 30847666). ClinVar contains an entry for this variant (Variation ID: 13454). Invitae Evidence Modeling of protein sequence and biophysical properties (such as structural, functional, and spatial information, amino acid conservation, physicochemical variation, residue mobility, and thermodynamic stability) indicates that this missense variant is expected to disrupt TTR protein function with a positive predictive value of 95%. Experimental studies have shown that this missense change does not substantially affect TTR function (PMID: 8784093, 35903975). This variant disrupts the p.Ala129 amino acid residue in TTR. Other variant(s) that disrupt this residue have been determined to be pathogenic (PMID: 9268242; internal data). This suggests that this residue is clinically significant, and that variants that disrupt this residue are likely to be disease-causing. In summary, the available evidence is currently insufficient to determine the role of this variant in disease. Therefore, it has been classified as a Variant of Uncertain Significance.

Ambry Genetics
Classification: Uncertain significance for Cardiovascular phenotype. Last evaluated: 2024-11-26. Review status: criteria provided, single submitter. Criteria: Ambry Variant Classification Scheme 2023. Collection method: clinical testing. Allele origin: germline.
Comment: The p.A129V variant (also known as c.386C>T), located in coding exon 4 of the TTR gene, results from a C to T substitution at nucleotide position 386. The alanine at codon 129 is replaced by valine, an amino acid with similar properties. Of note, this alteration is also designated as p.A109T in the published literature. This variant has been detected in individuals presenting with euthyroid hyperthyroxinemia, rather than transthyretin amyloidosis (Saraiva MJ. Hum. Mutat., 2001 Jun;17:493-503). In an assay testing TTR function, this variant showed a functionally normal result (Grether NB et al. Ann Clin Transl Neurol. 2022 Aug;9(8):1252-1263). This amino acid position is well conserved in available vertebrate species. In addition, this alteration is predicted to be deleterious by in silico analysis. Based on the available evidence, the clinical significance of this variant remains unclear.

Mayo Clinic Laboratories, Mayo Clinic
Classification: Uncertain significance. Last evaluated: 2020-04-22. Review status: criteria provided, single submitter. Criteria: ACMG Guidelines, 2015. Collection method: clinical testing. Allele origin: germline. Observed: 1 variant allele.

Athena Diagnostics
Classification: Uncertain significance. Last evaluated: 2017-10-30. Review status: criteria provided, single submitter. Criteria: Athena Diagnostics Criteria. Collection method: clinical testing. Allele origin: germline.

Molecular Genetics Laboratory, London Health Sciences Centre
Classification: Uncertain significance for Charcot-Marie-Tooth disease. Review status: criteria provided, single submitter. Criteria: ACMG Guidelines, 2015. Collection method: clinical testing. Allele origin: germline. Affected: yes.

OMIM
Classification: Affects for DYSTRANSTHYRETINEMIC HYPERTHYROXINEMIA. Last evaluated: 1996-09-01. Review status: no assertion criteria provided. Collection method: literature only. Allele origin: germline. Not counted in ClinVar's aggregate classification.

Literature cited by the submitters: PubMed 8784093 (cited by 3 submitters); PubMed 9268242 (cited by 3 submitters); PubMed 11385707 (cited by Petrovsky National Research Centre of Surgery, The Federal Agency for Scientific Organizations and Ambry Genetics); PubMed 1979335 (cited by Petrovsky National Research Centre of Surgery, The Federal Agency for Scientific Organizations and Ambry Genetics); PubMed 27532257 (cited by Petrovsky National Research Centre of Surgery, The Federal Agency for Scientific Organizations and Ambry Genetics); PubMed 28635949 (cited by Petrovsky National Research Centre of Surgery, The Federal Agency for Scientific Organizations and Ambry Genetics); PubMed 28798025 (cited by Petrovsky National Research Centre of Surgery, The Federal Agency for Scientific Organizations and Labcorp Genetics (formerly Invitae), Labcorp); PubMed 30847666 (cited by 3 submitters); PubMed 32376792 (cited by Petrovsky National Research Centre of Surgery, The Federal Agency for Scientific Organizations and Ambry Genetics); PubMed 32635414 (cited by Petrovsky National Research Centre of Surgery, The Federal Agency for Scientific Organizations); PubMed 35903975 (cited by 3 submitters); PubMed 39458146 (cited by Petrovsky National Research Centre of Surgery, The Federal Agency for Scientific Organizations and Ambry Genetics).